The following is an entry in ClinVar:

ClinVar aggregate classification (germline): Uncertain significance. Review status: criteria provided, multiple submitters, no conflicts (2 of 4 stars). 2 submissions from 2 submitters: Uncertain significance (2). Last evaluated 2024-06-05.

Conditions:
Tuberous sclerosis syndrome (TSC). Also called: Tuberous Sclerosis Complex; Tuberous sclerosis. Identifiers: Orphanet 805, MedGen C0041341, MONDO:0001734.
Hereditary cancer-predisposing syndrome. Also called: Hereditary neoplastic syndrome; Neoplastic Syndromes, Hereditary; Tumor predisposition; Hereditary Cancer Syndrome. Identifiers: Orphanet 140162, MedGen C0027672, MeSH D009386, MONDO:0015356.

Submissions (2):

Ambry Genetics
Classification: Uncertain significance for Hereditary cancer-predisposing syndrome. Last evaluated: 2024-06-05. Review status: criteria provided, single submitter. Criteria: Ambry Variant Classification Scheme 2023. Collection method: clinical testing. Allele origin: germline.
Comment: The p.E450K variant (also known as c.1348G>A), located in coding exon 12 of the TSC2 gene, results from a G to A substitution at nucleotide position 1348. The glutamic acid at codon 450 is replaced by lysine, an amino acid with similar properties. Genetic analysis of the parents of this patient revealed that the father was a carrier of the c.1348G> variant and had no clinical signs of TSC (Papadopoulou A et al. Eur J Paediatr Neurol, 2018 May;22:419-426). This amino acid position is well conserved in available vertebrate species. In addition, this alteration is predicted to be deleterious by in silico analysis. Based on the available evidence, the clinical significance of this variant remains unclear.

All of Us Research Program, National Institutes of Health
Classification: Uncertain significance for Tuberous sclerosis syndrome. Last evaluated: 2024-01-11. Review status: criteria provided, single submitter. Criteria: ACMG Guidelines, 2015. Collection method: clinical testing. Allele origin: germline. Inheritance: Autosomal dominant inheritance. Observed: 1 variant allele, 1 heterozygote.
Comment: This study involves interpretation of variants in research participants for the purpose of population health screening. Participant phenotype was not available at the time of variant classification. Additional details can be found in publication PMID: 35346344, PMCID: PMC8962531

Literature cited by the submitters: PubMed 29500070 (cited by Ambry Genetics).

NM_000548.5(TSC2):c.1348G>A (p.Glu450Lys)

Gene: TSC2 (TSC complex subunit 2; plus strand). Cytogenetic location: 16p13.3.
Variant type: single nucleotide variant.
Coding change: c.1348G>A on transcript NM_000548.5 (MANE Select); coding-DNA position 1348, G replaced by A.
Protein change: p.Glu450Lys; replaces glutamic acid 450 with lysine.
Molecular consequence: missense variant. On other transcripts: non-coding transcript variant (5), 5 prime UTR variant (1).
Genome position (GRCh38, 1-based): chr16:2,062,587, G>A. VCF-style: chr16-2062587-G-A. GRCh37 (hg19) VCF-style: chr16-2112588-G-A.
Other names: c.1348G>A, p.Glu450Lys (NM_001077183.3, NM_001114382.3, NM_001363528.2 and 6 more transcripts); c.1237G>A, p.Glu413Lys (NM_001318827.2, NM_001406670.1, NM_001406678.1); c.1201G>A, p.Glu401Lys (NM_001318829.2, NM_001406675.1, NM_001406676.1 and 1 more transcripts); c.748G>A, p.Glu250Lys (NM_001318831.2, NM_001406680.1, NM_001406682.1 and 6 more transcripts); c.1381G>A, p.Glu461Lys (NM_001318832.2); c.1438G>A, p.Glu480Lys (NM_001406667.1, NM_001406668.1); c.1336G>A, p.Glu446Lys (NM_001406671.1, NM_001406673.1); c.1291G>A, p.Glu431Lys (NM_001406677.1); and 3 more; short protein forms E250K, E296K, E2K, E401K, E413K, E431K, E446K, E450K.
Identifiers: ClinVar variation 3074972 (VCV003074972.2), dbSNP rs45491095, ClinGen allele CA394322652.